The following is an entry in ClinVar:

NM_001375405.1(CEP120):c.2482-3005_2482-2949del

Gene: CEP120 (centrosomal protein 120; minus strand). Cytogenetic location: 5q23.2.
Variant type: Deletion.
Coding change: c.2482-3005_2482-2949del on transcript NM_001375405.1 (MANE Select); 3005 bases into the intron before coding-DNA position 2482 through 2949 bases into the intron before coding-DNA position 2482, 57 bases deleted.
Molecular consequence: intron variant.
Genome position (GRCh38, 1-based): chr5:123,367,543-123,367,599, 57 bases deleted. GRCh37 (hg19): chr5:122,703,291-122,703,347.
Other names: c.2404-3005_2404-2949del (NM_001166226.2); c.2482-3005_2482-2949del (NM_153223.4, NM_001375407.1); c.1909-3005_1909-2949del (NM_001375408.1, NM_001375409.1); c.2347-3005_2347-2949del (NM_001375406.1).
Identifiers: ClinVar variation 3390656 (VCV003390656.1).

ClinVar aggregate classification (germline): Uncertain significance (1 of 4 stars; one submission).

Submission:

GeneDx
Classification: Uncertain significance. Last evaluated: 2024-06-10. Review status: criteria provided, single submitter. Criteria: GeneDx Variant Classification Process June 2021. Collection method: clinical testing. Allele origin: germline. Affected: yes.
Comment: In silico analysis indicates that this variant does not alter splicing; Has not been previously published as pathogenic or benign to our knowledge